The following is an entry in ClinVar:

ClinVar aggregate classification (germline): Likely benign (1 of 4 stars; one submission).

Submission:

CeGaT Center for Human Genetics Tuebingen
Classification: Likely benign. Last evaluated: 2026-08-01. Review status: criteria provided, single submitter. Criteria: CeGaT Center For Human Genetics Tuebingen Variant Classification Criteria Version 2. Collection method: clinical testing. Allele origin: germline. Affected: yes. Observed: 1 variant allele.
Comment: INF2: BP4, BP7

NM_022489.4(INF2):c.1332C>A (p.Pro444=)

Gene: INF2 (inverted formin 2; plus strand). Cytogenetic location: 14q32.33.
Variant type: single nucleotide variant.
Coding change: c.1332C>A on transcript NM_022489.4 (MANE Select); coding-DNA position 1332, C replaced by A.
Protein change: p.Pro444=; no amino-acid change (proline 444 retained).
Molecular consequence: synonymous variant. On other transcripts: non-coding transcript variant (1).
Genome position (GRCh38, 1-based): chr14:104,707,599, C>A. VCF-style: chr14-104707599-C-A. GRCh37 (hg19) VCF-style: chr14-105173936-C-A.
Other names: c.1332C>A, p.Pro444= (NM_001031714.4, NM_001426862.1, NM_001426863.1 and 2 more transcripts).
Identifiers: ClinVar variation 5039802 (VCV005039802.1).
Genomic context (GRCh38, chr14:104,707,599, plus strand): 5'-CCCACCCCCACCCCTGCTCCCTGGTTCCAGTGCCGAGCCCCCTCCCCCTCCCCCACCACC[C>A]CCCCTGCCCAGTGTGGGGGCTAAGGCCCTCCCAACAGCACCCCCGCCCCCACCCCTGCCA-3'
Protein context (NP_071934.3, residues 434-454): SAEPPPPPPP[Pro444=]PLPSVGAKAL